The following is an entry in ClinVar:

NM_007294.4(BRCA1):c.5458G>C (p.Gly1820Arg)

Gene: BRCA1 (BRCA1 DNA repair associated; minus strand). Cytogenetic location: 17q21.31.
Variant type: single nucleotide variant.
Coding change: c.5458G>C on transcript NM_007294.4 (MANE Select); coding-DNA position 5458, G replaced by C.
Protein change: p.Gly1820Arg; replaces glycine 1820 with arginine.
Molecular consequence: missense variant. On other transcripts: non-coding transcript variant (1).
Genome position (GRCh38, 1-based): chr17:43,047,652, C>G on the plus strand (G>C on the coding strand, the complement: BRCA1 is on the minus strand). VCF-style: chr17-43047652-C-G. GRCh37 (hg19) VCF-style: chr17-41199669-C-G.
Other names: c.5245G>C, p.Gly1749Arg (NM_001407894.1, NM_001407895.1, NM_001407896.1 and 12 more transcripts); c.5458G>C, p.Gly1820Arg (NM_001407596.1, NM_001407597.1, NM_001407598.1 and 5 more transcripts); c.5455G>C, p.Gly1819Arg (NM_001407610.1, NM_001407611.1, NM_001407612.1 and 14 more transcripts); c.5329G>C, p.Gly1777Arg (NM_001407683.1, NM_001407684.1, NM_001407685.1 and 6 more transcripts); c.5326G>C, p.Gly1776Arg (NM_001407690.1, NM_001407691.1); c.5317G>C, p.Gly1773Arg (NM_001407692.1, NM_001407728.1, NM_001407729.1 and 12 more transcripts); c.5452G>C, p.Gly1818Arg (NM_001407627.1, NM_001407628.1, NM_001407629.1 and 13 more transcripts); c.5449G>C, p.Gly1817Arg (NM_001407644.1, NM_001407645.1); and 83 more; short protein forms G1820R, G1841R, G1773R, G716R, W691S, G1666R, G1691R, G1693R.
Identifiers: ClinVar variation 868913 (VCV000868913.3), dbSNP rs398122698, ClinGen allele CA10590459.
Genomic context (GRCh38, chr17:43,047,652, plus strand): 5'-AAACCCATGCAAAAGGACCCCATATAGCACAGGTACATGCAGGCACCTTACCATGGAAGC[C>G]ATTGTCCTCTGTCCAGGCATCTGGCTGCACAACCACAATTGGGTGGACACCCTGGATCCC-3'
Protein context (NP_009225.1, residues 1810-1830): VQPDAWTEDN[Gly1820Arg]FHAIGQMCEA

Conditions:
Breast-ovarian cancer, familial, susceptibility to, 1 (BROVCA1). Also called: BRCA1 Hereditary Breast and Ovarian Cancer; OVARIAN CANCER, SUSCEPTIBILITY TO. Identifiers: Orphanet 145, MedGen C2676676, MONDO:0011450, OMIM 604370. Disease mechanism: loss of function.

Submission:

Brotman Baty Institute, University of Washington
No classification provided (evidence only). Condition: Breast-ovarian cancer, familial 1. Review status: no classification provided. Collection method: in vitro. Allele origin: not applicable. Functional consequence: functionally_normal.
ClinVar note: "not provided" was previously submitted as the classification for the variant. However, the classification appeared to be based only on an observation of functional data so it was converted to no classification on 2025-07-30.